The following is an entry in ClinVar:

ClinVar aggregate classification (germline): Uncertain significance. Review status: criteria provided, multiple submitters, no conflicts (2 of 4 stars). 2 submissions from 2 submitters: Uncertain significance (2). Last evaluated 2022-10-24.

Conditions:
Duchenne muscular dystrophy (DMD). Also called: MUSCULAR DYSTROPHY, PSEUDOHYPERTROPHIC PROGRESSIVE, DUCHENNE TYPE; Duchenne Muscular Dystrophy (DMD). Identifiers: Orphanet 98896, MedGen C0013264, MONDO:0010679, OMIM 310200.

Submissions (2):

Labcorp Genetics (formerly Invitae), Labcorp
Classification: Uncertain significance for Duchenne muscular dystrophy. Last evaluated: 2022-10-24. Review status: criteria provided, single submitter. Criteria: Invitae Variant Classification Sherloc (09022015). Collection method: clinical testing. Allele origin: germline.
Comment: Advanced modeling of protein sequence and biophysical properties (such as structural, functional, and spatial information, amino acid conservation, physicochemical variation, residue mobility, and thermodynamic stability) performed at Invitae indicates that this missense variant is not expected to disrupt DMD protein function. ClinVar contains an entry for this variant (Variation ID: 497248). This variant has not been reported in the literature in individuals affected with DMD-related conditions. This variant is not present in population databases (gnomAD no frequency). This sequence change replaces glutamine, which is neutral and polar, with histidine, which is basic and polar, at codon 2080 of the DMD protein (p.Gln2080His). In summary, the available evidence is currently insufficient to determine the role of this variant in disease. Therefore, it has been classified as a Variant of Uncertain Significance.

Eurofins Ntd Llc (ga)
Classification: Uncertain significance. Last evaluated: 2016-09-30. Review status: criteria provided, single submitter. Criteria: EGL Classification Definitions 2015. Collection method: clinical testing. Allele origin: germline. Observed: 2 variant alleles, 1 heterozygote, 1 hemizygote.

NM_004006.3(DMD):c.6240G>T (p.Gln2080His)

Gene: DMD (dystrophin; minus strand). Cytogenetic location: Xp21.1.
Variant type: single nucleotide variant.
Coding change: c.6240G>T on transcript NM_004006.3 (MANE Select); coding-DNA position 6240, G replaced by T.
Protein change: p.Gln2080His; replaces glutamine 2080 with histidine.
Molecular consequence: missense variant.
Genome position (GRCh38, 1-based): chrX:32,287,579, C>A on the plus strand (G>T on the coding strand, the complement: DMD is on the minus strand). VCF-style: chrX-32287579-C-A. GRCh37 (hg19) VCF-style: chrX-32305696-C-A.
Other names: c.6216G>T, p.Gln2072His (NM_000109.4); c.6228G>T, p.Gln2076His (NM_004009.3); c.5871G>T, p.Gln1957His (NM_004010.3); c.2217G>T, p.Gln739His (NM_004011.4); c.2208G>T, p.Gln736His (NM_004012.4); short protein forms Q2080H, Q2072H, Q739H, Q2076H, Q736H, Q1957H.
Identifiers: ClinVar variation 497248 (VCV000497248.10), dbSNP rs1557263852, ClinGen allele CA412665868.